The following is an entry in ClinVar:

ClinVar aggregate classification (germline): Likely benign (1 of 4 stars; one submission).

Submission:

CeGaT Center for Human Genetics Tuebingen
Classification: Likely benign. Last evaluated: 2022-09-01. Review status: criteria provided, single submitter. Criteria: CeGaT Center For Human Genetics Tuebingen Variant Classification Criteria Version 2. Collection method: clinical testing. Allele origin: germline. Affected: yes. Observed: 1 variant allele.
Comment: NF1: BP4

NM_001042492.3(NF1):c.3974+34_3974+35dup

Gene: NF1 (neurofibromin 1; plus strand). Cytogenetic location: 17q11.2.
Variant type: Duplication.
Coding change: c.3974+34_3974+35dup on transcript NM_001042492.3 (MANE Select); bases 34 to 35 of the intron after coding-DNA position 3974, 2 bases duplicated (TT; older notation c.3974+34_3974+35dupTT).
Molecular consequence: intron variant.
Genome position (GRCh38, 1-based): chr17:31,236,055-31,236,056, TT duplicated; duplicating any 2 consecutive bases within chr17:31,236,051-31,236,056 gives the same sequence; the c. name uses the placement nearest the transcript's 3' end. VCF-style (leftmost placement, unchanged base first): chr17-31236050-G-GTT. GRCh37 (hg19) VCF-style: chr17-29563068-G-GTT.
Other names: c.3974+34_3974+35dup (NM_000267.4).
Identifiers: ClinVar variation 2647631 (VCV002647631.24), dbSNP rs200366665, ClinGen allele CA8486280.
Genomic context (GRCh38, chr17:31,236,050, plus strand): 5'-CAACATGTTAGCTTTGAAGTGGATCCTACCAGGTTTGTCATCTTTTCACATAGAACCGCT[G>GTT]TTTTTTGTTTTTTTTTTTTTGTTTGTTTGTTTTACTAACACTGCATGAAGCAAGGCACCT-3'